The following is an entry in ClinVar:

ClinVar aggregate classification (germline): Pathogenic. Review status: criteria provided, multiple submitters, no conflicts (2 of 4 stars). 2 submissions from 2 submitters: Pathogenic (2). Last evaluated 2026-07-02.

Conditions:
Fetal anomalies with a likely genetic cause.
Fanconi anemia (FA). Also called: Fanconi's anemia. Identifiers: Orphanet 84, MedGen C0015625, MeSH D005199, MONDO:0019391.

Submissions (2):

Genetics Laboratory, Great Ormond Street Hospital NHS Foundation Trust, North Thames Genomic Laboratory Hub
Classification: Pathogenic for Fetal anomalies with a likely genetic cause. Last evaluated: 2026-07-02. Review status: criteria provided, single submitter. Criteria: ACGS Best Practice Guidelines for Variant Classification in Rare Disease 2024 v1.2. Collection method: clinical testing. Allele origin: germline. Affected: yes.
Comment: PM2_moderate, PVS1_very-strong

Labcorp Genetics (formerly Invitae), Labcorp
Classification: Pathogenic for Fanconi anemia. Last evaluated: 2023-06-28. Review status: criteria provided, single submitter. Criteria: Invitae Variant Classification Sherloc (09022015). Collection method: clinical testing. Allele origin: germline.
Comment: This sequence change creates a premature translational stop signal (p.Gly33Glufs*8) in the FANCL gene. It is expected to result in an absent or disrupted protein product. Loss-of-function variants in FANCL are known to be pathogenic (PMID: 19405097, 23613520). This variant is not present in population databases (gnomAD no frequency). This variant has not been reported in the literature in individuals affected with FANCL-related conditions. For these reasons, this variant has been classified as Pathogenic.

Literature cited by the submitters: PubMed 19405097 (cited by Labcorp Genetics (formerly Invitae), Labcorp); PubMed 23613520 (cited by Labcorp Genetics (formerly Invitae), Labcorp).

NC_000002.12:g.58232113del

Gene: FANCL (FA complementation group L; minus strand). Cytogenetic location: 2p16.1.
Variant type: Deletion.
Genome position: GRCh38 VCF-style: chr2-58232110-TC-T. GRCh37 (hg19) VCF-style: chr2-58459245-TC-T.
Identifiers: ClinVar variation 2732202 (VCV002732202.4), dbSNP rs2467548016, ClinGen allele CA2697548186.